The following is an entry in ClinVar:

ClinVar aggregate classification (germline): Uncertain significance (1 of 4 stars; one submission).

Conditions:
Charcot-Marie-Tooth disease axonal type 2O. Also called: Charcot-Marie-Tooth disease, axonal, type 20; CHARCOT-MARIE-TOOTH NEUROPATHY, AXONAL, TYPE 2O; CHARCOT-MARIE-TOOTH DISEASE, AXONAL, AUTOSOMAL DOMINANT, TYPE 2O; Charcot-Marie-Tooth Neuropathy Type 2O. Identifiers: Orphanet 284232, MedGen C3280220, MONDO:0013644, OMIM 614228.

Submission:

Labcorp Genetics (formerly Invitae), Labcorp
Classification: Uncertain significance for Charcot-Marie-Tooth disease axonal type 2O. Last evaluated: 2024-08-11. Review status: criteria provided, single submitter. Criteria: Invitae Variant Classification Sherloc (09022015). Collection method: clinical testing. Allele origin: germline.
Comment: This sequence change replaces valine, which is neutral and non-polar, with methionine, which is neutral and non-polar, at codon 4094 of the DYNC1H1 protein (p.Val4094Met). This variant is not present in population databases (gnomAD no frequency). This variant has not been reported in the literature in individuals affected with DYNC1H1-related conditions. Advanced modeling of protein sequence and biophysical properties (such as structural, functional, and spatial information, amino acid conservation, physicochemical variation, residue mobility, and thermodynamic stability) has been performed at Invitae for this missense variant, however the output from this modeling did not meet the statistical confidence thresholds required to predict the impact of this variant on DYNC1H1 protein function. In summary, the available evidence is currently insufficient to determine the role of this variant in disease. Therefore, it has been classified as a Variant of Uncertain Significance.

NM_001376.5(DYNC1H1):c.12280G>A (p.Val4094Met)

Gene: DYNC1H1 (dynein cytoplasmic 1 heavy chain 1; plus strand). Cytogenetic location: 14q32.31.
Variant type: single nucleotide variant.
Coding change: c.12280G>A on transcript NM_001376.5 (MANE Select); coding-DNA position 12280, G replaced by A.
Protein change: p.Val4094Met; replaces valine 4094 with methionine.
Molecular consequence: missense variant.
Genome position (GRCh38, 1-based): chr14:102,042,388, G>A. VCF-style: chr14-102042388-G-A. GRCh37 (hg19) VCF-style: chr14-102508725-G-A.
Other names: short protein forms V4094M.
Identifiers: ClinVar variation 3636187 (VCV003636187.2).
Genomic context (GRCh38, chr14:102,042,388, plus strand): 5'-CAGGCATTCAGGCAGGCAGCCTGGCATGCTGTGTGACTCTCACTTTGTGTGTGCAGGTGG[G>A]TGATGCTGAAGAATGTGCATCTGGCCCCAGGGTGGCTGATGCAGCTGGAGAAGAAGTTGC-3'
Protein context (NP_001367.2, residues 4084-4104): INTAVKSGRW[Val4094Met]MLKNVHLAPG